The following is an entry in ClinVar:

ClinVar aggregate classification (germline): Uncertain significance (1 of 4 stars; one submission).

Conditions:
Loeys-Dietz syndrome 4 (LDS4). Also called: ANEURYSM, AORTIC AND CEREBRAL, WITH ARTERIAL TORTUOSITY AND SKELETAL MANIFESTATIONS; TGFB2-Related Loeys-Dietz Syndrome. Identifiers: MedGen C3553762, MONDO:0013897, OMIM 614816.

gnomAD v4.1: 1 of 1,614,150 alleles (0.000062%); highest among the groups gnomAD compares: Non-Finnish European, 0.000085%; no homozygotes.

Submission:

Labcorp Genetics (formerly Invitae), Labcorp
Classification: Uncertain significance for Loeys-Dietz syndrome 4. Last evaluated: 2023-08-31. Review status: criteria provided, single submitter. Criteria: Invitae Variant Classification Sherloc (09022015). Collection method: clinical testing. Allele origin: germline.
Comment: In summary, the available evidence is currently insufficient to determine the role of this variant in disease. Therefore, it has been classified as a Variant of Uncertain Significance. Advanced modeling of protein sequence and biophysical properties (such as structural, functional, and spatial information, amino acid conservation, physicochemical variation, residue mobility, and thermodynamic stability) performed at Invitae indicates that this missense variant is expected to disrupt TGFB2 protein function. This variant has not been reported in the literature in individuals affected with TGFB2-related conditions. This variant is not present in population databases (gnomAD no frequency). This sequence change replaces isoleucine, which is neutral and non-polar, with methionine, which is neutral and non-polar, at codon 37 of the TGFB2 protein (p.Ile37Met).

NM_003238.6(TGFB2):c.111C>G (p.Ile37Met)

Gene: TGFB2 (transforming growth factor beta 2; plus strand). Cytogenetic location: 1q41.
Variant type: single nucleotide variant.
Coding change: c.111C>G on transcript NM_003238.6 (MANE Select); coding-DNA position 111, C replaced by G.
Protein change: p.Ile37Met; replaces isoleucine 37 with methionine.
Molecular consequence: missense variant. On other transcripts: non-coding transcript variant (2).
Genome position (GRCh38, 1-based): chr1:218,346,812, C>G. VCF-style: chr1-218346812-C-G. GRCh37 (hg19) VCF-style: chr1-218520154-C-G.
Other names: c.111C>G, p.Ile37Met (NM_001135599.4); short protein forms I37M.
Identifiers: ClinVar variation 3018013 (VCV003018013.3), dbSNP rs1440677621, ClinGen allele CA344725310.
Genomic context (GRCh38, chr1:218,346,812, plus strand): 5'-CGCGCTCAGCCTGTCTACCTGCAGCACACTCGATATGGACCAGTTCATGCGCAAGAGGAT[C>G]GAGGCGATCCGCGGGCAGATCCTGAGCAAGCTGAAGCTCACCAGTCCCCCAGAAGACTAT-3'
Protein context (NP_003229.1, residues 27-47): LDMDQFMRKR[Ile37Met]EAIRGQILSK